The following is an entry in ClinVar:

ClinVar aggregate classification (germline): Pathogenic. Review status: reviewed by expert panel (3 of 4 stars). 11 submissions from 11 submitters: Pathogenic (1). 10 of the submissions do not count toward it. Last evaluated 2016-09-08.

Conditions:
Hereditary cancer-predisposing syndrome. Also called: Tumor predisposition; Neoplastic Syndromes, Hereditary; Hereditary Cancer Syndrome; Hereditary neoplastic syndrome. Identifiers: Orphanet 140162, MedGen C0027672, MeSH D009386, MONDO:0015356.
Hereditary breast ovarian cancer syndrome. Also called: Hereditary breast and ovarian cancer syndrome (HBOC); Hereditary breast and ovarian cancer syndrome; Hereditary breast and ovarian cancer; Hereditary breast and/or ovarian cancer syndrome; Breast and ovarian cancer; BRCA1- and BRCA2-Associated Hereditary Breast and Ovarian Cancer. Identifiers: Orphanet 145, MedGen C0677776, MeSH D061325, MONDO:0003582. Disease mechanism: loss of function.
Breast-ovarian cancer, familial, susceptibility to, 1 (BROVCA1). Also called: OVARIAN CANCER, SUSCEPTIBILITY TO; BRCA1 Hereditary Breast and Ovarian Cancer. Identifiers: Orphanet 145, MedGen C2676676, MONDO:0011450, OMIM 604370. Disease mechanism: loss of function.

Submissions (11):

Evidence-based Network for the Interpretation of Germline Mutant Alleles (ENIGMA)
Classification: Pathogenic for Breast-ovarian cancer, familial, susceptibility to, 1. Last evaluated: 2016-09-08. Review status: reviewed by expert panel. Criteria: ENIGMA BRCA1/2 Classification Criteria (2015). Collection method: curation. Allele origin: germline.
Comment: Variant allele predicted to encode a truncated non-functional protein.

Labcorp Genetics (formerly Invitae), Labcorp
Classification: Pathogenic for Hereditary breast ovarian cancer syndrome. Last evaluated: 2025-10-26. Review status: criteria provided, single submitter. Criteria: Invitae Variant Classification Sherloc (09022015). Collection method: clinical testing. Allele origin: germline. Not counted in ClinVar's aggregate classification.
Comment: This sequence change creates a premature translational stop signal (p.Lys672*) in the BRCA1 gene. It is expected to result in an absent or disrupted protein product. Loss-of-function variants in BRCA1 are known to be pathogenic (PMID: 20104584). This variant is not present in population databases (gnomAD no frequency). This premature translational stop signal has been observed in individual(s) with breast and/or ovarian cancer (PMID: 30078507, 31825140). ClinVar contains an entry for this variant (Variation ID: 54435). For these reasons, this variant has been classified as Pathogenic.

Molecular Pathology, Peter Maccallum Cancer Centre
Classification: Pathogenic for Breast-ovarian cancer, familial, susceptibility to, 1. Last evaluated: 2024-06-07. Review status: criteria provided, single submitter. Criteria: ACMG Guidelines, 2015. Collection method: clinical testing. Allele origin: germline. Inheritance: Autosomal dominant inheritance. Not counted in ClinVar's aggregate classification.

Ambry Genetics
Classification: Pathogenic for Hereditary cancer-predisposing syndrome. Last evaluated: 2024-04-12. Review status: criteria provided, single submitter. Criteria: Ambry Variant Classification Scheme 2023. Collection method: clinical testing. Allele origin: germline. Not counted in ClinVar's aggregate classification.
Comment: The p.K672* pathogenic mutation (also known as c.2014A>T), located in coding exon 9 of the BRCA1 gene, results from an A to T substitution at nucleotide position 2014. This changes the amino acid from a lysine to a stop codon within coding exon 9. This alteration is expected to result in loss of function by premature protein truncation or nonsense-mediated mRNA decay. As such, this alteration is interpreted as a disease-causing mutation.

GeneDx
Classification: Pathogenic. Last evaluated: 2023-11-20. Review status: criteria provided, single submitter. Criteria: GeneDx Variant Classification Process June 2021. Collection method: clinical testing. Allele origin: germline. Affected: yes. Not counted in ClinVar's aggregate classification.
Comment: Nonsense variant predicted to result in protein truncation or nonsense mediated decay in a gene for which loss of function is a known mechanism of disease; Truncating variants in this gene are considered pathogenic by a well-established clinical consortium and/or database; Not observed at significant frequency in large population cohorts (gnomAD); Also known as 2133A>T; This variant is associated with the following publications: (PMID: 31825140, 29446198, 25525159, 19370767, 30078507, 29752822)

Color Diagnostics, LLC DBA Color Health
Classification: Pathogenic for Hereditary cancer-predisposing syndrome. Last evaluated: 2021-04-27. Review status: criteria provided, single submitter. Criteria: ACMG Guidelines, 2015. Collection method: clinical testing. Allele origin: germline. Not counted in ClinVar's aggregate classification.
Comment: This variant changes 1 nucleotide in exon 10 of the BRCA1 gene, creating a premature translation stop signal. This variant is expected to result in an absent or non-functional protein product. To our knowledge, this variant has not been reported in individuals affected with hereditary cancer in the literature. This variant has not been identified in the general population by the Genome Aggregation Database (gnomAD). Loss of BRCA1 function is a known mechanism of disease. Based on the available evidence, this variant is classified as Pathogenic.

Baylor Genetics
Classification: Pathogenic for Breast-ovarian cancer, familial, susceptibility to, 1. Last evaluated: 2020-10-19. Review status: criteria provided, single submitter. Criteria: ACMG Guidelines, 2015. Collection method: clinical testing. Allele origin: unknown. Not counted in ClinVar's aggregate classification.

ARUP Laboratories, Molecular Genetics and Genomics, ARUP Laboratories
Classification: Pathogenic. Last evaluated: 2019-09-04. Review status: criteria provided, single submitter. Criteria: ARUP Molecular Germline Variant Investigation Process. Collection method: clinical testing. Allele origin: germline. Not counted in ClinVar's aggregate classification.
Comment: The BRCA1 c.2014A>T; p.Lys672Ter variant (rs397508929) is reported in the literature in individuals with hereditary breast and ovarian cancer syndrome (Li 2018, Li 2019, Rebbeck 2018), and is classified as pathogenic by an expert review panel in ClinVar (Variation ID: 54435). This variant is absent from general population databases (Exome Variant Server, Genome Aggregation Database), indicating it is not a common polymorphism. This variant induces an early termination codon and is predicted to result in a truncated protein or mRNA subject to nonsense-mediated decay. Based on available information, this variant is considered to be pathogenic. REFERENCES Li A et al. BRCA germline mutations in an unselected nationwide cohort of Chinese patients with ovarian cancer and healthy controls. Gynecol Oncol. 2018 Oct;151(1):145-152. Li JY et al. Germline mutations in 40 cancer susceptibility genes among Chinese patients with high hereditary risk breast cancer. Int J Cancer. 2019 Jan 15;144(2):281-289. Rebbeck TR et al. Mutational spectrum in a worldwide study of 29,700 families with BRCA1 or BRCA2 mutations. Hum Mutat. 2018 May;39(5):593-620.

Clinical Genetics DNA and cytogenetics Diagnostics Lab, Erasmus MC, Erasmus Medical Center
Classification: Pathogenic for Breast-ovarian cancer, familial, susceptibility to, 1. Last evaluated: 2017-05-31. Review status: criteria provided, single submitter. Criteria: ACGS Guidelines, 2013. Collection method: clinical testing. Allele origin: germline. Affected: yes. Study: VKGL Data-share Consensus. Not counted in ClinVar's aggregate classification.

Consortium of Investigators of Modifiers of BRCA1/2 (CIMBA), c/o University of Cambridge
Classification: Pathogenic for Breast-ovarian cancer, familial, susceptibility to, 1. Last evaluated: 2015-10-02. Review status: criteria provided, single submitter. Criteria: CIMBA Mutation Classification guidelines May 2016. Collection method: clinical testing. Allele origin: germline. Not counted in ClinVar's aggregate classification.

Diagnostic Laboratory, Department of Genetics, University Medical Center Groningen
Classification: Pathogenic for Breast-ovarian cancer, familial, susceptibility to, 1. Review status: no assertion criteria provided. Collection method: clinical testing. Allele origin: germline. Affected: yes. Study: VKGL Data-share Consensus. Not counted in ClinVar's aggregate classification.

Literature cited by the submitters: PubMed 20104584 (cited by Labcorp Genetics (formerly Invitae), Labcorp); PubMed 30078507 (cited by Labcorp Genetics (formerly Invitae), Labcorp); PubMed 31825140 (cited by Labcorp Genetics (formerly Invitae), Labcorp).

NM_007294.4(BRCA1):c.2014A>T (p.Lys672Ter)

Gene: BRCA1 (BRCA1 DNA repair associated; minus strand). Cytogenetic location: 17q21.31.
Variant type: single nucleotide variant.
Coding change: c.2014A>T on transcript NM_007294.4 (MANE Select); coding-DNA position 2014, A replaced by T.
Protein change: p.Lys672Ter; replaces lysine 672 with a stop codon.
Molecular consequence: nonsense. On other transcripts: intron variant (137).
Genome position (GRCh38, 1-based): chr17:43,093,517, T>A on the plus strand (A>T on the coding strand, the complement: BRCA1 is on the minus strand). VCF-style: chr17-43093517-T-A. GRCh37 (hg19) VCF-style: chr17-41245534-T-A.
Other names: c.1888A>T, p.Lys630Ter (NM_001407672.1, NM_001407673.1, NM_001407685.1 and 11 more transcripts); c.1891A>T, p.Lys631Ter (NM_001407674.1, NM_001407675.1, NM_001407676.1 and 19 more transcripts); c.2014A>T, p.Lys672Ter (NM_001407684.1, NM_001407854.1, NM_001407858.1 and 30 more transcripts); c.1873A>T, p.Lys625Ter (NM_001407692.1, NM_001407694.1, NM_001407695.1 and 29 more transcripts); c.1870A>T, p.Lys624Ter (NM_001407740.1, NM_001407741.1, NM_001407742.1 and 20 more transcripts); c.1801A>T, p.Lys601Ter (NM_001407853.1, NM_001407894.1, NM_001407895.1 and 9 more transcripts); c.2011A>T, p.Lys671Ter (NM_001407860.1, NM_001407861.1, NM_001407587.1 and 22 more transcripts); c.1813A>T, p.Lys605Ter (NM_001407862.1); and 40 more; short protein forms K672*, K625*, K504*, K544*, K605*, K630*, K376*, K560*.
Identifiers: ClinVar variation 54435 (VCV000054435.23), dbSNP rs397508929, ClinGen allele CA001343.